The following is an entry in ClinVar:

ClinVar aggregate classification (germline): Uncertain significance (1 of 4 stars; one submission).

Conditions:
Myofibrillar myopathy 5. Also called: Filaminopathy (type); FILAMINOPATHY, AUTOSOMAL DOMINANT. Identifiers: Orphanet 171445, MedGen C1836050, MONDO:0012289, OMIM 609524.
Distal myopathy with posterior leg and anterior hand involvement. Also called: WILLIAMS DISTAL MYOPATHY. Identifiers: Orphanet 63273, MedGen C3279722, MONDO:0013550, OMIM 614065.
Hypertrophic cardiomyopathy 26. Also called: Cardiomyopathy, familial hypertrophic, 26. Identifiers: Orphanet 75249, MedGen C4310749, MONDO:0014883, OMIM 617047.

Allele frequency attached by ClinVar (database versions not stated): gnomAD exomes below 0.00001.
gnomAD v4.1: 3 of 1,613,810 alleles (0.00019%); highest among the groups gnomAD compares: Non-Finnish European, 0.00025%; no homozygotes.

Submission:

Labcorp Genetics (formerly Invitae), Labcorp
Classification: Uncertain significance for Distal myopathy with posterior leg and anterior hand involvement; Myofibrillar myopathy 5; Hypertrophic cardiomyopathy 26. Last evaluated: 2021-10-24. Review status: criteria provided, single submitter. Criteria: Invitae Variant Classification Sherloc (09022015). Collection method: clinical testing. Allele origin: germline.
Comment: This variant has not been reported in the literature in individuals with FLNC-related conditions. This variant is not present in population databases (ExAC no frequency). This sequence change replaces isoleucine with threonine at codon 740 of the FLNC protein (p.Ile740Thr). The isoleucine residue is moderately conserved and there is a moderate physicochemical difference between isoleucine and threonine. Algorithms developed to predict the effect of missense changes on protein structure and function are either unavailable or do not agree on the potential impact of this missense change (SIFT: "Deleterious"; PolyPhen-2: "Possibly Damaging"; Align-GVGD: "Class C0"). In summary, the available evidence is currently insufficient to determine the role of this variant in disease. Therefore, it has been classified as a Variant of Uncertain Significance.

NM_001458.5(FLNC):c.2219T>C (p.Ile740Thr)

Gene: FLNC (filamin C; plus strand). Cytogenetic location: 7q32.1.
Variant type: single nucleotide variant.
Coding change: c.2219T>C on transcript NM_001458.5 (MANE Select); coding-DNA position 2219, T replaced by C.
Protein change: p.Ile740Thr; replaces isoleucine 740 with threonine.
Molecular consequence: missense variant.
Genome position (GRCh38, 1-based): chr7:128,842,328, T>C. VCF-style: chr7-128842328-T-C. GRCh37 (hg19) VCF-style: chr7-128482382-T-C.
Other names: c.2219T>C, p.Ile740Thr (NM_001127487.2); short protein forms I740T.
Identifiers: ClinVar variation 1462764 (VCV001462764.6), dbSNP rs2128935573, ClinGen allele CA369229337.